The following is an entry in ClinVar:

NM_014738.6(TMEM94):c.1234-9T>C

Gene: TMEM94 (transmembrane protein 94; plus strand). Cytogenetic location: 17q25.1.
Variant type: single nucleotide variant.
Coding change: c.1234-9T>C on transcript NM_014738.6 (MANE Select); 9 bases into the intron before coding-DNA position 1234, T replaced by C.
Molecular consequence: intron variant.
Genome position (GRCh38, 1-based): chr17:75,491,294, T>C. VCF-style: chr17-75491294-T-C. GRCh37 (hg19) VCF-style: chr17-73487375-T-C.
Other names: c.1234-9T>C (NM_001438841.1, NM_001438842.1, NM_001321149.2 and 5 more transcripts); c.1264-9T>C (NM_001438843.1, NM_001321148.2, NM_001351203.2 and 1 more transcripts).
Identifiers: ClinVar variation 4984922 (VCV004984922.1).

ClinVar aggregate classification (germline): Likely benign (1 of 4 stars; one submission).

Conditions:
TMEM94-related disorder. Also called: TMEM94-related condition.

gnomAD v4.1: 237 of 1,613,782 alleles (0.015%); highest among the groups gnomAD compares: African/African-American, 0.28%; no homozygotes.

Submission:

PreventionGenetics, part of Exact Sciences
Classification: Likely benign for TMEM94-related condition. Last evaluated: 2025-04-17. Review status: criteria provided, single submitter. Criteria: ACMG Guidelines, 2015. Collection method: clinical testing. Allele origin: germline.
Comment: This variant is classified as likely benign based on ACMG/AMP sequence variant interpretation guidelines (Richards et al. 2015 PMID: 25741868, with internal and published modifications).